The following is an entry in ClinVar:

NM_012073.5(CCT5):c.1009A>G (p.Thr337Ala)

Gene: CCT5 (chaperonin containing TCP1 subunit 5; plus strand). Cytogenetic location: 5p15.2.
Variant type: single nucleotide variant.
Coding change: c.1009A>G on transcript NM_012073.5 (MANE Select); coding-DNA position 1009, A replaced by G.
Protein change: p.Thr337Ala; replaces threonine 337 with alanine.
Molecular consequence: missense variant.
Genome position (GRCh38, 1-based): chr5:10,261,575, A>G. VCF-style: chr5-10261575-A-G. GRCh37 (hg19) VCF-style: chr5-10261687-A-G.
Other names: c.946A>G, p.Thr316Ala (NM_001306153.1); c.844A>G, p.Thr282Ala (NM_001306154.2); c.730A>G, p.Thr244Ala (NM_001306155.2); c.895A>G, p.Thr299Ala (NM_001306156.2); short protein forms T244A, T282A, T299A, T316A, T337A.
Identifiers: ClinVar variation 2417350 (VCV002417350.6), dbSNP rs111255743, ClinGen allele CA113884287.

ClinVar aggregate classification (germline): Uncertain significance (1 of 4 stars; one submission).

Conditions:
Hereditary sensory and autonomic neuropathy with spastic paraplegia (HSNSP). Identifiers: Orphanet 139578, MedGen C1850395, MONDO:0009748, OMIM 256840.

Allele frequency attached by ClinVar (database versions not stated): gnomAD 0.00001; gnomAD exomes 0.00001; TOPMed 0.00002.
gnomAD v4.1: 31 of 1,614,152 alleles (0.0019%); highest among the groups gnomAD compares: African/African-American, 0.015%; no homozygotes.

Submission:

Labcorp Genetics (formerly Invitae), Labcorp
Classification: Uncertain significance for Hereditary sensory and autonomic neuropathy with spastic paraplegia. Last evaluated: 2024-04-05. Review status: criteria provided, single submitter. Criteria: Invitae Variant Classification Sherloc (09022015). Collection method: clinical testing. Allele origin: germline.
Comment: This sequence change replaces threonine, which is neutral and polar, with alanine, which is neutral and non-polar, at codon 337 of the CCT5 protein (p.Thr337Ala). This variant is present in population databases (rs111255743, gnomAD 0.002%). This variant has not been reported in the literature in individuals affected with CCT5-related conditions. ClinVar contains an entry for this variant (Variation ID: 2417350). Advanced modeling of protein sequence and biophysical properties (such as structural, functional, and spatial information, amino acid conservation, physicochemical variation, residue mobility, and thermodynamic stability) has been performed at Invitae for this missense variant, however the output from this modeling did not meet the statistical confidence thresholds required to predict the impact of this variant on CCT5 protein function. In summary, the available evidence is currently insufficient to determine the role of this variant in disease. Therefore, it has been classified as a Variant of Uncertain Significance.